The following is an entry in ClinVar:

NM_173630.4(RTTN):c.1022A>C (p.His341Pro)

Gene: RTTN (rotatin; minus strand). Cytogenetic location: 18q22.2.
Variant type: single nucleotide variant.
Coding change: c.1022A>C on transcript NM_173630.4 (MANE Select); coding-DNA position 1022, A replaced by C.
Protein change: p.His341Pro; replaces histidine 341 with proline.
Molecular consequence: missense variant. On other transcripts: 5 prime UTR variant (1).
Genome position (GRCh38, 1-based): chr18:70,190,705, T>G on the plus strand (A>C on the coding strand, the complement: RTTN is on the minus strand). VCF-style: chr18-70190705-T-G. GRCh37 (hg19) VCF-style: chr18-67857941-T-G.
Other names: c.-1532A>C (NM_001318520.2); short protein forms H341P.
Identifiers: ClinVar variation 2130407 (VCV002130407.4), dbSNP rs2512990052, ClinGen allele CA402699308.
Genomic context (GRCh38, chr18:70,190,705, plus strand): 5'-AGATCTATGTGTCCCATATCCAAAGGTGAATGAACGGATATCCTGGAGTTTACATGAGCA[T>G]GACTACTACTTCCACTGCAAGATAAACAAATGATAAACCTTGCATACAGAAACAATCCCC-3'
Protein context (NP_775901.3, residues 331-351): DAASSSGSSS[His341Pro]AHVNSRISVH

ClinVar aggregate classification (germline): Uncertain significance (1 of 4 stars; one submission).

Submission:

Labcorp Genetics (formerly Invitae), Labcorp
Classification: Uncertain significance. Last evaluated: 2024-10-17. Review status: criteria provided, single submitter. Criteria: Invitae Variant Classification Sherloc (09022015). Collection method: clinical testing. Allele origin: germline.
Comment: This sequence change replaces histidine, which is basic and polar, with proline, which is neutral and non-polar, at codon 341 of the RTTN protein (p.His341Pro). This variant is not present in population databases (gnomAD no frequency). This variant has not been reported in the literature in individuals affected with RTTN-related conditions. ClinVar contains an entry for this variant (Variation ID: 2130407). Invitae Evidence Modeling of protein sequence and biophysical properties (such as structural, functional, and spatial information, amino acid conservation, physicochemical variation, residue mobility, and thermodynamic stability) indicates that this missense variant is not expected to disrupt RTTN protein function with a negative predictive value of 80%. In summary, the available evidence is currently insufficient to determine the role of this variant in disease. Therefore, it has been classified as a Variant of Uncertain Significance.